The following is an entry in ClinVar:

ClinVar aggregate classification (germline): Uncertain significance (1 of 4 stars; one submission).

Conditions:
Developmental and epileptic encephalopathy, 36 (DEE36). Also called: Congenital disorder of glycosylation, type Is; ALG13-CDG; Epileptic encephalopathy, early infantile, 36. Identifiers: Orphanet 324422, MedGen C4317295, MONDO:0010472, OMIM 300884.

Submission:

Labcorp Genetics (formerly Invitae), Labcorp
Classification: Uncertain significance for Developmental and epileptic encephalopathy, 36. Last evaluated: 2023-09-12. Review status: criteria provided, single submitter. Criteria: Invitae Variant Classification Sherloc (09022015). Collection method: clinical testing. Allele origin: germline.
Comment: In summary, the available evidence is currently insufficient to determine the role of this variant in disease. Therefore, it has been classified as a Variant of Uncertain Significance. Algorithms developed to predict the effect of sequence changes on RNA splicing suggest that this variant may create or strengthen a splice site. Advanced modeling of protein sequence and biophysical properties (such as structural, functional, and spatial information, amino acid conservation, physicochemical variation, residue mobility, and thermodynamic stability) performed at Invitae indicates that this missense variant is not expected to disrupt ALG13 protein function. This variant has not been reported in the literature in individuals affected with ALG13-related conditions. This variant is not present in population databases (gnomAD no frequency). This sequence change replaces glutamine, which is neutral and polar, with arginine, which is basic and polar, at codon 832 of the ALG13 protein (p.Gln832Arg).

NM_001099922.3(ALG13):c.2495A>G (p.Gln832Arg)

Gene: ALG13 (ALG13 UDP-N-acetylglucosaminyltransferase subunit; plus strand). Cytogenetic location: Xq23.
Variant type: single nucleotide variant.
Coding change: c.2495A>G on transcript NM_001099922.3 (MANE Select); coding-DNA position 2495, A replaced by G.
Protein change: p.Gln832Arg; replaces glutamine 832 with arginine.
Molecular consequence: missense variant. On other transcripts: non-coding transcript variant (1).
Genome position (GRCh38, 1-based): chrX:111,735,088, A>G. VCF-style: chrX-111735088-A-G. GRCh37 (hg19) VCF-style: chrX-110978316-A-G.
Other names: c.2183A>G, p.Gln728Arg (NM_001257230.2, NM_001257234.2, NM_001257237.2); c.2261A>G, p.Gln754Arg (NM_001257231.2); c.2495A>G, p.Gln832Arg (NM_001324292.2); c.2009A>G, p.Gln670Arg (NM_001324293.1); short protein forms Q728R, Q670R, Q754R, Q832R.
Identifiers: ClinVar variation 2871005 (VCV002871005.3), dbSNP rs781652731, ClinGen allele CA414254201.